The following is an entry in ClinVar:

NM_000179.3(MSH6):c.2504del (p.Gln835fs)

Gene: MSH6 (mutS homolog 6; plus strand). Cytogenetic location: 2p16.3.
Variant type: Deletion.
Coding change: c.2504del on transcript NM_000179.3 (MANE Select); coding-DNA position 2504, one base deleted (A; older notation c.2504delA).
Protein change: p.Gln835fs; shifts the reading frame from glutamine 835.
Molecular consequence: frameshift variant.
Genome position (GRCh38, 1-based): chr2:47,800,487, A deleted. VCF-style (leftmost placement, unchanged base first): chr2-47800486-CA-C. GRCh37 (hg19) VCF-style: chr2-48027625-CA-C.
Other names: c.2504delA (NM_000179.2); c.2504del (NM_000179.2); c.2114del, p.Gln705fs (NM_001281492.2); c.1598del, p.Gln533fs (NM_001281493.2, NM_001281494.2); short protein forms Q835fs, Q533fs, Q705fs.
Identifiers: ClinVar variation 649835 (VCV000649835.19), dbSNP rs1572727440, ClinGen allele CA913187467.

ClinVar aggregate classification (germline): Pathogenic. Review status: criteria provided, multiple submitters, no conflicts (2 of 4 stars). 7 submissions from 7 submitters: Pathogenic (6). 1 of the submissions does not count toward it. Last evaluated 2025-08-06.

Conditions:
Hereditary nonpolyposis colorectal neoplasms. Identifiers: MedGen C0009405, MeSH D003123.
Lynch syndrome 5 (LYNCH5). Also called: Hereditary non-polyposis colorectal cancer, type 5; Colorectal cancer, hereditary nonpolyposis, type 5. Identifiers: Orphanet 144, MedGen C1833477, MONDO:0013710, OMIM 614350. Disease mechanism: loss of function.
Hereditary cancer-predisposing syndrome. Also called: Hereditary neoplastic syndrome; Tumor predisposition; Neoplastic Syndromes, Hereditary; Hereditary Cancer Syndrome. Identifiers: Orphanet 140162, MedGen C0027672, MeSH D009386, MONDO:0015356.
Inherited MMR deficiency (Lynch syndrome).
Carcinoma of colon (CRC). Also called: Colon carcinoma; Colonic carcinoma. Identifiers: MedGen C0699790, MONDO:0002032.
Endometrial carcinoma. Also called: Endometrial carcinoma, somatic. Identifiers: MedGen C0476089, MONDO:0002447, OMIM 608089, HP:0012114.

Allele frequency attached by ClinVar (database versions not stated): TOPMed below 0.00001; gnomAD 0.00001.

Submissions (7):

Genetics Laboratory, Great Ormond Street Hospital NHS Foundation Trust, North Thames Genomic Laboratory Hub
Classification: Pathogenic for Inherited MMR deficiency (Lynch syndrome). Last evaluated: 2025-08-06. Review status: criteria provided, single submitter. Criteria: CanVIG MMR Gene Specific V1.7. Collection method: clinical testing. Allele origin: germline. Affected: yes.
Comment: PM2_supporting, PVS1_very-strong, PP4_moderate

Labcorp Genetics (formerly Invitae), Labcorp
Classification: Pathogenic for Hereditary nonpolyposis colorectal neoplasms. Last evaluated: 2024-10-27. Review status: criteria provided, single submitter. Criteria: Invitae Variant Classification Sherloc (09022015). Collection method: clinical testing. Allele origin: germline.
Comment: This sequence change creates a premature translational stop signal (p.Gln835Argfs*9) in the MSH6 gene. It is expected to result in an absent or disrupted protein product. Loss-of-function variants in MSH6 are known to be pathogenic (PMID: 18269114, 24362816). This variant is not present in population databases (gnomAD no frequency). This premature translational stop signal has been observed in individual(s) with clinical features of Lynch syndrome (PMID: 20028993, 30608896, 30877237). ClinVar contains an entry for this variant (Variation ID: 649835). For these reasons, this variant has been classified as Pathogenic.

Ambry Genetics
Classification: Pathogenic for Hereditary cancer-predisposing syndrome. Last evaluated: 2023-09-20. Review status: criteria provided, single submitter. Criteria: Ambry Variant Classification Scheme 2023. Collection method: clinical testing. Allele origin: germline.
Comment: The c.2504delA pathogenic mutation, located in coding exon 4 of the MSH6 gene, results from a deletion of one nucleotide at nucleotide position 2504, causing a translational frameshift with a predicted alternate stop codon (p.Q835Rfs*9). In addition to the clinical data presented in the literature, this alteration is expected to result in loss of function by premature protein truncation or nonsense-mediated mRNA decay. As such, this alteration is interpreted as a disease-causing mutation.

Myriad Genetics, Inc.
Classification: Pathogenic for Lynch syndrome 5. Last evaluated: 2023-08-17. Review status: criteria provided, single submitter. Criteria: Myriad Autosomal Dominant, Autosomal Recessive and X-Linked Classification Criteria (2023). Collection method: clinical testing. Allele origin: unknown.
Comment: This variant is considered pathogenic. This variant creates a frameshift predicted to result in premature protein truncation.

Revvity Omics, Revvity
Classification: Pathogenic. Last evaluated: 2022-11-29. Review status: criteria provided, single submitter. Criteria: ACMG Guidelines, 2015. Collection method: clinical testing. Allele origin: germline.

Baylor Genetics
Classification: Pathogenic for Endometrial carcinoma. Last evaluated: 2022-10-17. Review status: criteria provided, single submitter. Criteria: ACMG Guidelines, 2015. Collection method: clinical testing. Allele origin: unknown.

Department of Pathology and Laboratory Medicine, Sinai Health System
Classification: Likely pathogenic for Carcinoma of colon. Review status: no assertion criteria provided. Collection method: clinical testing. Allele origin: unknown. Affected: yes. Study: The Canadian Open Genetics Repository (COGR). Not counted in ClinVar's aggregate classification.
Comment: The MSH6 p.Gln835Argfs*9 variant was identified in 1 of 838 proband chromosomes (frequency: 0.001) from individuals or families with colorectal cancer (Hampel 2018). The variant was also identified in Insight Hereditary Tumors Database (1x). The variant was not identified in dbSNP, ClinVar, Clinvitae, COGR, Cosmic, MutDB, UMD-LSDB, Zhejiang University Database, or Mismatch Repair Genes Variant Database. The variant was not identified in the following control databases: the Exome Aggregation Consortium (August 8th 2016), or the Genome Aggregation Database (Feb 27, 2017). The c.2504del variant is predicted to cause a frameshift, which alters the protein's amino acid sequence beginning at codon 835 and leads to a premature stop codon at position 843. This alteration is then predicted to result in a truncated or absent protein and loss of function. Loss of function variants of the MSH6 gene are an established mechanism of disease in Lynch syndrome and is the type of variant expected to cause the disorder. In summary, based on the above information the clinical significance of this variant cannot be determined with certainty at this time although we would lean towards a more pathogenic role for this variant. This variant is classified as likely pathogenic.

Literature cited by the submitters: PubMed 18269114 (cited by Labcorp Genetics (formerly Invitae), Labcorp); PubMed 24362816 (cited by Labcorp Genetics (formerly Invitae), Labcorp); PubMed 20028993 (cited by Labcorp Genetics (formerly Invitae), Labcorp and Ambry Genetics); PubMed 30608896 (cited by Labcorp Genetics (formerly Invitae), Labcorp and Ambry Genetics); PubMed 30877237 (cited by Labcorp Genetics (formerly Invitae), Labcorp).